The following is an entry in ClinVar:

ClinVar aggregate classification (germline): Uncertain significance (1 of 4 stars; one submission).

Conditions:
Primary ciliary dyskinesia. Also called: Ciliary dyskinesia. Identifiers: Orphanet 244, MedGen C0008780, MONDO:0016575, HP:0012265.

Allele frequency attached by ClinVar (database versions not stated): gnomAD exomes below 0.00001; TOPMed below 0.00001; gnomAD 0.00001; ExAC 0.00002; 1000 Genomes Project 30x 0.00016; 1000 Genomes Project 0.00020.
gnomAD v4.1: 4 of 1,613,316 alleles (0.00025%); highest among the groups gnomAD compares: African/African-American, 0.0053%; no homozygotes.

Submission:

Labcorp Genetics (formerly Invitae), Labcorp
Classification: Uncertain significance for Primary ciliary dyskinesia. Last evaluated: 2023-12-09. Review status: criteria provided, single submitter. Criteria: Invitae Variant Classification Sherloc (09022015). Collection method: clinical testing. Allele origin: germline.
Comment: This sequence change replaces leucine, which is neutral and non-polar, with tryptophan, which is neutral and slightly polar, at codon 445 of the CCDC39 protein (p.Leu445Trp). This variant is present in population databases (rs184796738, gnomAD 0.01%). This variant has not been reported in the literature in individuals affected with CCDC39-related conditions. An algorithm developed to predict the effect of missense changes on protein structure and function (PolyPhen-2) suggests that this variant is likely to be disruptive. In summary, the available evidence is currently insufficient to determine the role of this variant in disease. Therefore, it has been classified as a Variant of Uncertain Significance.

NM_181426.2(CCDC39):c.1334T>G (p.Leu445Trp)

Gene: CCDC39 (coiled-coil domain 39 molecular ruler complex subunit; minus strand). Cytogenetic location: 3q26.33.
Variant type: single nucleotide variant.
Coding change: c.1334T>G on transcript NM_181426.2 (MANE Select); coding-DNA position 1334, T replaced by G.
Protein change: p.Leu445Trp; replaces leucine 445 with tryptophan.
Molecular consequence: missense variant.
Genome position (GRCh38, 1-based): chr3:180,648,193, A>C on the plus strand (T>G on the coding strand, the complement: CCDC39 is on the minus strand). VCF-style: chr3-180648193-A-C. GRCh37 (hg19) VCF-style: chr3-180365981-A-C.
Other names: short protein forms L445W.
Identifiers: ClinVar variation 2901044 (VCV002901044.3), dbSNP rs184796738, ClinGen allele CA2715975.